The following is an entry in ClinVar:

ClinVar aggregate classification (germline): Uncertain significance (1 of 4 stars; one submission).

Conditions:
Mowat-Wilson syndrome (MOWS). Also called: Classic Mowat-Wilson Syndrome. Identifiers: Orphanet 2152, MedGen C1856113, MONDO:0009341, OMIM 235730.

gnomAD v4.1: 3 of 1,614,222 alleles (0.00019%); highest among the groups gnomAD compares: Non-Finnish European, 0.00025%; no homozygotes.

Submission:

Labcorp Genetics (formerly Invitae), Labcorp
Classification: Uncertain significance for Mowat-Wilson syndrome. Last evaluated: 2025-04-17. Review status: criteria provided, single submitter. Criteria: Invitae Variant Classification Sherloc (09022015). Collection method: clinical testing. Allele origin: germline.
Comment: This sequence change replaces aspartic acid, which is acidic and polar, with glycine, which is neutral and non-polar, at codon 399 of the ZEB2 protein (p.Asp399Gly). This variant is not present in population databases (gnomAD no frequency). This variant has not been reported in the literature in individuals affected with ZEB2-related conditions. Invitae Evidence Modeling of protein sequence and biophysical properties (such as structural, functional, and spatial information, amino acid conservation, physicochemical variation, residue mobility, and thermodynamic stability) indicates that this missense variant is not expected to disrupt ZEB2 protein function with a negative predictive value of 80%. In summary, the available evidence is currently insufficient to determine the role of this variant in disease. Therefore, it has been classified as a Variant of Uncertain Significance.

NM_014795.4(ZEB2):c.1196A>G (p.Asp399Gly)

Gene: ZEB2 (zinc finger E-box binding homeobox 2; minus strand). Cytogenetic location: 2q22.3.
Variant type: single nucleotide variant.
Coding change: c.1196A>G on transcript NM_014795.4 (MANE Select); coding-DNA position 1196, A replaced by G.
Protein change: p.Asp399Gly; replaces aspartic acid 399 with glycine.
Molecular consequence: missense variant.
Genome position (GRCh38, 1-based): chr2:144,399,991, T>C on the plus strand (A>G on the coding strand, the complement: ZEB2 is on the minus strand). VCF-style: chr2-144399991-T-C. GRCh37 (hg19) VCF-style: chr2-145157558-T-C.
Other names: c.1124A>G, p.Asp375Gly (NM_001171653.2); short protein forms D399G, D375G.
Identifiers: ClinVar variation 4760228 (VCV004760228.1).